The following is an entry in ClinVar:

NM_004656.4(BAP1):c.274G>C (p.Ala92Pro)

Gene: BAP1 (BRCA1 associated deubiquitinase 1; minus strand). Cytogenetic location: 3p21.1.
Variant type: single nucleotide variant.
Coding change: c.274G>C on transcript NM_004656.4 (MANE Select); coding-DNA position 274, G replaced by C.
Protein change: p.Ala92Pro; replaces alanine 92 with proline.
Molecular consequence: missense variant.
Genome position (GRCh38, 1-based): chr3:52,408,059, C>G on the plus strand (G>C on the coding strand, the complement: BAP1 is on the minus strand). VCF-style: chr3-52408059-C-G. GRCh37 (hg19) VCF-style: chr3-52442075-C-G.
Other names: c.274G>C, p.Ala92Pro (NM_001410772.1); short protein forms A92P.
Identifiers: ClinVar variation 3382818 (VCV003382818.4).
Genomic context (GRCh38, chr3:52,408,059, plus strand): 5'-GGGTGGGTCCCAGGTCCACGCTGCTGCAGTTCAGGAGCACGCTCAGCAAGGCATGAGTTG[C>G]ACAAGAGTTGGGTATCAGCTGTGAAACCAAGAATAGTCACCCATACACAGCACCCCTCAC-3'
Protein context (NP_004647.1, residues 82-102): FAHQLIPNSC[Ala92Pro]THALLSVLLN

ClinVar aggregate classification (germline): Uncertain significance. Review status: criteria provided, multiple submitters, no conflicts (2 of 4 stars). 2 submissions from 2 submitters: Uncertain significance (2). Last evaluated 2026-07-08.

Conditions:
Melanoma, uveal, susceptibility to, 2 (UVM2). Also called: Melanoma, uveal 2. Identifiers: Orphanet 39044, MedGen C1847723, MONDO:0011696, OMIM 606661.
Kury-Isidor syndrome (KURIS). Identifiers: MedGen C5676925, MONDO:0859230, OMIM 619762.
BAP1-related tumor predisposition syndrome (TPDS1). Also called: Tumor susceptibility linked to germline BAP1 mutations; COMMON Syndrome; TUMOR PREDISPOSITION SYNDROME 1; BAP1 tumor predisposition syndrome. Identifiers: Orphanet 289539, MedGen C3280492, MONDO:0013692, OMIM 614327.
Hereditary cancer-predisposing syndrome. Also called: Tumor predisposition; Hereditary Cancer Syndrome; Hereditary neoplastic syndrome; Neoplastic Syndromes, Hereditary. Identifiers: Orphanet 140162, MedGen C0027672, MeSH D009386, MONDO:0015356.

Submissions (2):

Ambry Genetics
Classification: Uncertain significance for Hereditary cancer-predisposing syndrome. Last evaluated: 2026-07-08. Review status: criteria provided, single submitter. Criteria: Ambry Variant Classification Scheme 2023. Collection method: clinical testing. Allele origin: germline.
Comment: The p.A92P variant (also known as c.274G>C), located in coding exon 5 of the BAP1 gene, results from a G to C substitution at nucleotide position 274. The alanine at codon 92 is replaced by proline, an amino acid with highly similar properties. This alteration was non-functional in a high throughput genome editing haploid cell survival functional assay (Waters AJ et al. Nat Genet, 2024 Jul;56:1434-1445). This amino acid position is highly conserved in available vertebrate species. In addition, this alteration is predicted to be deleterious by in silico analysis. Based on the available evidence, the clinical significance of this variant remains unclear.

Juno Genomics, Hangzhou Juno Genomics, Inc
Classification: Uncertain significance for Melanoma, uveal, susceptibility to, 2; Kury-Isidor syndrome; BAP1-related tumor predisposition syndrome. Review status: criteria provided, single submitter. Criteria: ACMG Guidelines, 2015. Collection method: clinical testing. Allele origin: germline. Affected: yes.
Comment: Absent from controls (or at extremely low frequency if recessive) in Genome Aggregation Database, Exome Sequencing Project, 1000 Genomes Project, or Exome Aggregation Consortium.;De novo (both maternity and paternity confirmed) in a patient with the disease and no family history.;Multiple lines of computational evidence support a deleterious effect on the gene or gene product (conservation, evolutionary, splicing impact, etc).;Missense variant in a gene that has a low rate of benign missense variation and where missense variants are a common mechanism of disease.

Literature cited by the submitters: PubMed 38969833 (cited by Ambry Genetics).